The following is an entry in ClinVar:

NM_001130009.3(GEN1):c.2646G>C (p.Lys882Asn)

Gene: GEN1 (GEN1 structure-specific endonuclease; plus strand). Cytogenetic location: 2p24.2.
Variant type: single nucleotide variant.
Coding change: c.2646G>C on transcript NM_001130009.3 (MANE Select); coding-DNA position 2646, G replaced by C.
Protein change: p.Lys882Asn; replaces lysine 882 with asparagine.
Molecular consequence: missense variant.
Genome position (GRCh38, 1-based): chr2:17,781,858, G>C. VCF-style: chr2-17781858-G-C. GRCh37 (hg19) VCF-style: chr2-17963125-G-C.
Other names: c.2646G>C, p.Lys882Asn (NM_182625.5); short protein forms K882N.
Identifiers: ClinVar variation 2262439 (VCV002262439.3), dbSNP rs2545635017, ClinGen allele CA345928514.

ClinVar aggregate classification (germline): Uncertain significance (1 of 4 stars; one submission).

Submission:

Ambry Genetics
Classification: Uncertain significance. Last evaluated: 2026-04-10. Review status: criteria provided, single submitter. Criteria: Ambry Variant Classification Scheme 2023. Collection method: clinical testing. Allele origin: germline.
Comment: The p.K882N variant (also known as c.2646G>C), located in coding exon 13 of the GEN1 gene, results from a G to C substitution at nucleotide position 2646. The lysine at codon 882 is replaced by asparagine, an amino acid with similar properties. This amino acid position is conserved. In addition, this alteration is predicted to be tolerated by in silico analysis. Based on the available evidence, the clinical significance of this variant remains unclear.